The following is an entry in ClinVar:

NM_001211.6(BUB1B):c.1015A>C (p.Ser339Arg)

Gene: BUB1B (BUB1 mitotic checkpoint serine/threonine kinase B; plus strand). Cytogenetic location: 15q15.1.
Variant type: single nucleotide variant.
Coding change: c.1015A>C on transcript NM_001211.6 (MANE Select); coding-DNA position 1015, A replaced by C.
Protein change: p.Ser339Arg; replaces serine 339 with arginine.
Molecular consequence: missense variant.
Genome position (GRCh38, 1-based): chr15:40,185,599, A>C. VCF-style: chr15-40185599-A-C. GRCh37 (hg19) VCF-style: chr15-40477800-A-C.
Other names: short protein forms S339R.
Identifiers: ClinVar variation 1741295 (VCV001741295.2), dbSNP rs1406041311, ClinGen allele CA391685181.

ClinVar aggregate classification (germline): Uncertain significance (1 of 4 stars; one submission).

Conditions:
Inborn genetic diseases. Identifiers: MedGen C0950123, MeSH D030342.

Submission:

Ambry Genetics
Classification: Uncertain significance for Inborn genetic diseases. Last evaluated: 2021-06-29. Review status: criteria provided, single submitter. Criteria: Ambry Variant Classification Scheme 2023. Collection method: clinical testing. Allele origin: germline.
Comment: The p.S339R variant (also known as c.1015A>C), located in coding exon 8 of the BUB1B gene, results from an A to C substitution at nucleotide position 1015. The serine at codon 339 is replaced by arginine, an amino acid with dissimilar properties. This amino acid position is conserved. In addition, this alteration is predicted to be tolerated by in silico analysis. Since supporting evidence is limited at this time, the clinical significance of this alteration remains unclear.